The following is an entry in ClinVar:

NM_001083111.2(GNRH1):c.4A>G (p.Lys2Glu)

Gene: GNRH1 (gonadotropin releasing hormone 1; minus strand). Cytogenetic location: 8p21.2.
Variant type: single nucleotide variant.
Coding change: c.4A>G on transcript NM_001083111.2 (MANE Select); coding-DNA position 4, A replaced by G.
Protein change: p.Lys2Glu; replaces lysine 2 with glutamic acid.
Molecular consequence: missense variant.
Genome position (GRCh38, 1-based): chr8:25,423,327, T>C on the plus strand (A>G on the coding strand, the complement: GNRH1 is on the minus strand). VCF-style: chr8-25423327-T-C. GRCh37 (hg19) VCF-style: chr8-25280843-T-C.
Other names: c.16A>G, p.Lys6Glu (NM_000825.3); short protein forms K2E, K6E.
Identifiers: ClinVar variation 4721269 (VCV004721269.1).

ClinVar aggregate classification (germline): Uncertain significance (1 of 4 stars; one submission).

Submission:

Labcorp Genetics (formerly Invitae), Labcorp
Classification: Uncertain significance. Last evaluated: 2025-06-11. Review status: criteria provided, single submitter. Criteria: Invitae Variant Classification Sherloc (09022015). Collection method: clinical testing. Allele origin: germline.
Comment: This sequence change replaces lysine, which is basic and polar, with glutamic acid, which is acidic and polar, at codon 6 of the GNRH1 protein (p.Lys6Glu). This variant is not present in population databases (gnomAD no frequency). This variant has not been reported in the literature in individuals affected with GNRH1-related conditions. An algorithm developed to predict the effect of missense changes on protein structure and function outputs the following: PolyPhen-2: "Not Available". The glutamic acid amino acid residue is found in multiple mammalian species, which suggests that this missense change does not adversely affect protein function. In summary, the available evidence is currently insufficient to determine the role of this variant in disease. Therefore, it has been classified as a Variant of Uncertain Significance.